The following is an entry in ClinVar:

NM_015175.3(NBEAL2):c.6560+6G>A

Gene: NBEAL2 (neurobeachin like 2; plus strand). Cytogenetic location: 3p21.31.
Variant type: single nucleotide variant.
Coding change: c.6560+6G>A on transcript NM_015175.3 (MANE Select); 6 bases into the intron after coding-DNA position 6560, G replaced by A.
Molecular consequence: intron variant.
Genome position (GRCh38, 1-based): chr3:47,005,327, G>A. VCF-style: chr3-47005327-G-A. GRCh37 (hg19) VCF-style: chr3-47046817-G-A.
Other names: c.6458+6G>A (NM_001365116.2).
Identifiers: ClinVar variation 4537051 (VCV004537051.1).
Genomic context (GRCh38, chr3:47,005,327, plus strand): 5'-ACCTCATCCGCGTGGAGCCCTTCACCTCCCTGCACGTCCAGCTGCAAAGTGGCCGGTGCG[G>A]CCCAGGGGCTGGTGGGCAGACTAGGGGGCAGATAAGGGGAGGAGGCTGGTCCTCCCCACA-3'

ClinVar aggregate classification (germline): Uncertain significance (1 of 4 stars; one submission).

Submission:

Women's Health and Genetics/Laboratory Corporation of America, LabCorp
Classification: Uncertain significance. Last evaluated: 2025-11-26. Review status: criteria provided, single submitter. Criteria: LabCorp Variant Classification Summary - May 2015. Collection method: clinical testing. Allele origin: germline.
Comment: Variant summary: NBEAL2 c.6560+6G>A alters a nucleotide located close to a canonical splice site and therefore could affect mRNA splicing, leading to a significantly altered protein sequence. Computational tools predict a significant impact on normal splicing: Two predict the variant weakens a 5' donor site. One predict the variant no significant impact on splicing. However, these predictions have yet to be confirmed by functional studies. The variant allele was found at a frequency of 7.9e-05 in 239104 control chromosomes (gnomAD). This frequency is not significantly higher than estimated for disease-causing variants in NBEAL2, allowing no conclusion about variant significance. To our knowledge, no occurrence of c.6560+6G>A in individuals affected with NBEAL2-related conditions and no experimental evidence demonstrating its impact on protein function have been reported. No submitters have cited clinical-significance assessments for this variant to ClinVar. Based on the evidence outlined above, the variant was classified as uncertain significance.